The following is an entry in ClinVar:

NM_000540.3(RYR1):c.6121C>T (p.His2041Tyr)

Gene: RYR1 (ryanodine receptor 1; plus strand). Cytogenetic location: 19q13.2.
Variant type: single nucleotide variant.
Coding change: c.6121C>T on transcript NM_000540.3 (MANE Select); coding-DNA position 6121, C replaced by T.
Protein change: p.His2041Tyr; replaces histidine 2041 with tyrosine.
Molecular consequence: missense variant.
Genome position (GRCh38, 1-based): chr19:38,490,726, C>T. VCF-style: chr19-38490726-C-T. GRCh37 (hg19) VCF-style: chr19-38981366-C-T.
Other names: c.6121C>T, p.His2041Tyr (NM_001042723.2); short protein forms H2041Y.
Identifiers: ClinVar variation 3075223 (VCV003075223.1), dbSNP rs776649883, ClinGen allele CA067748.

ClinVar aggregate classification (germline): Uncertain significance (1 of 4 stars; one submission).

Conditions:
Malignant hyperthermia, susceptibility to, 1 (MHS1). Also called: Anesthesia related hyperthermia; Malignant hyperpyrexia; Fulminating hyperpyrexia; Pharmacogenic myopathy; RYR1-Related Malignant Hyperthermia Susceptibility; Malignant hyperthermia suceptibility 1. Identifiers: Orphanet 423, MedGen C2930980, MONDO:0007783, OMIM 145600.

Allele frequency attached by ClinVar (database versions not stated): TOPMed below 0.00001; gnomAD exomes 0.00001; ExAC 0.00003.
gnomAD v4.1: 8 of 1,608,216 alleles (0.0005%); highest among the groups gnomAD compares: Non-Finnish European, 0.00068%; no homozygotes.

Submission:

All of Us Research Program, National Institutes of Health
Classification: Uncertain significance for Malignant hyperthermia, susceptibility to, 1. Last evaluated: 2024-01-11. Review status: criteria provided, single submitter. Criteria: ACMG Guidelines, 2015. Collection method: clinical testing. Allele origin: germline. Inheritance: Autosomal dominant inheritance. Observed: 1 variant allele, 1 heterozygote.
Comment: This study involves interpretation of variants in research participants for the purpose of population health screening. Participant phenotype was not available at the time of variant classification. Additional details can be found in publication PMID: 35346344, PMCID: PMC8962531